The following is an entry in ClinVar:

ClinVar aggregate classification (germline): Uncertain significance. Review status: criteria provided, multiple submitters, no conflicts (2 of 4 stars). 4 submissions from 4 submitters: Uncertain significance (3). 1 of the submissions does not count toward it. Last evaluated 2026-05-24.

Conditions:
TGFBR1-related disorder. Also called: TGFBR1-related condition.
Familial thoracic aortic aneurysm and aortic dissection (TAAD). Also called: Thoracic aortic aneurysms and dissections. Identifiers: Orphanet 91387, MedGen C4707243, MONDO:0019625.

Submissions (4):

Women's Health and Genetics/Laboratory Corporation of America, LabCorp
Classification: Uncertain significance. Last evaluated: 2026-05-24. Review status: criteria provided, single submitter. Criteria: LabCorp Variant Classification Summary - May 2015. Collection method: clinical testing. Allele origin: germline.

Centre of Medical Genetics, University of Antwerp
Classification: Uncertain significance for Familial thoracic aortic aneurysm and aortic dissection. Last evaluated: 2024-09-06. Review status: criteria provided, single submitter. Criteria: ACMG Guidelines, 2015. Collection method: clinical testing. Allele origin: germline. Affected: yes.

Labcorp Genetics (formerly Invitae), Labcorp
Classification: Uncertain significance for Familial thoracic aortic aneurysm and aortic dissection. Last evaluated: 2023-01-03. Review status: criteria provided, single submitter. Criteria: Invitae Variant Classification Sherloc (09022015). Collection method: clinical testing. Allele origin: germline.
Comment: This sequence change replaces arginine, which is basic and polar, with glutamine, which is neutral and polar, at codon 215 of the TGFBR1 protein (p.Arg215Gln). This variant is not present in population databases (gnomAD no frequency). This variant has not been reported in the literature in individuals affected with TGFBR1-related conditions. ClinVar contains an entry for this variant (Variation ID: 1051250). Advanced modeling of protein sequence and biophysical properties (such as structural, functional, and spatial information, amino acid conservation, physicochemical variation, residue mobility, and thermodynamic stability) performed at Invitae indicates that this missense variant is expected to disrupt TGFBR1 protein function. In summary, the available evidence is currently insufficient to determine the role of this variant in disease. Therefore, it has been classified as a Variant of Uncertain Significance.

PreventionGenetics, part of Exact Sciences
Classification: Uncertain significance for TGFBR1-related condition. Last evaluated: 2024-02-28. Review status: no assertion criteria provided. Collection method: clinical testing. Allele origin: germline. Not counted in ClinVar's aggregate classification.
Comment: The TGFBR1 c.644G>A variant is predicted to result in the amino acid substitution p.Arg215Gln. To our knowledge, this variant has not been reported in the literature or in a large population database, indicating this variant is rare. A different nucleotide substitution affecting the same amino acid (p.Arg215Pro) has been reported de novo in an individual with Loeys-Dietz syndrome (Yang et al. 2020. PubMed ID: 31915033). At this time, the clinical significance of the c.644G>A (p.Arg215Gln) variant is uncertain due to the absence of conclusive functional and genetic evidence.

NM_004612.4(TGFBR1):c.644G>A (p.Arg215Gln)

Gene: TGFBR1 (transforming growth factor beta receptor 1; plus strand). Cytogenetic location: 9q22.33.
Variant type: single nucleotide variant.
Coding change: c.644G>A on transcript NM_004612.4 (MANE Select); coding-DNA position 644, G replaced by A.
Protein change: p.Arg215Gln; replaces arginine 215 with glutamine.
Molecular consequence: missense variant.
Genome position (GRCh38, 1-based): chr9:99,137,928, G>A. VCF-style: chr9-99137928-G-A. GRCh37 (hg19) VCF-style: chr9-101900210-G-A.
Other names: c.644G>A (NM_004612.3); c.413G>A, p.Arg138Gln (NM_001130916.3); c.656G>A, p.Arg219Gln (NM_001306210.2); short protein forms R138Q, R215Q, R219Q.
Identifiers: ClinVar variation 1051250 (VCV001051250.13), dbSNP rs2118711787, ClinGen allele CA374229541.
Genomic context (GRCh38, chr9:99,137,928, plus strand): 5'-TGCTTGTTCAGAGAACAATTGCGAGAACTATTGTGTTACAAGAAAGCATTGGCAAAGGTC[G>A]ATTTGGAGAAGTTTGGAGAGGAAAGTGGCGGGGAGAAGAAGTTGCTGTTAAGATATTCTC-3'
Protein context (NP_004603.1, residues 205-225): IVLQESIGKG[Arg215Gln]FGEVWRGKWR